The following is an entry in ClinVar:

ClinVar aggregate classification (germline): Uncertain significance (1 of 4 stars; one submission).

Conditions:
X-linked Emery-Dreifuss muscular dystrophy. Also called: Muscular dystrophy, tardive Emery-Dreifuss type, with contractures. Identifiers: Orphanet 261, Orphanet 98863, MedGen C0751337, MONDO:0010680.

Allele frequency attached by ClinVar (database versions not stated): TOPMed 0.00001.

Submission:

Labcorp Genetics (formerly Invitae), Labcorp
Classification: Uncertain significance for X-linked Emery-Dreifuss muscular dystrophy. Last evaluated: 2024-09-08. Review status: criteria provided, single submitter. Criteria: Invitae Variant Classification Sherloc (09022015). Collection method: clinical testing. Allele origin: germline.
Comment: This sequence change replaces aspartic acid, which is acidic and polar, with glycine, which is neutral and non-polar, at codon 178 of the EMD protein (p.Asp178Gly). This variant is not present in population databases (gnomAD no frequency). This variant has not been reported in the literature in individuals affected with EMD-related conditions. ClinVar contains an entry for this variant (Variation ID: 1422336). Invitae Evidence Modeling of protein sequence and biophysical properties (such as structural, functional, and spatial information, amino acid conservation, physicochemical variation, residue mobility, and thermodynamic stability) indicates that this missense variant is not expected to disrupt EMD protein function with a negative predictive value of 80%. In summary, the available evidence is currently insufficient to determine the role of this variant in disease. Therefore, it has been classified as a Variant of Uncertain Significance.

NM_000117.3(EMD):c.533A>G (p.Asp178Gly)

Gene: EMD (emerin; plus strand). Cytogenetic location: Xq28.
Variant type: single nucleotide variant.
Coding change: c.533A>G on transcript NM_000117.3 (MANE Select); coding-DNA position 533, A replaced by G.
Protein change: p.Asp178Gly; replaces aspartic acid 178 with glycine.
Molecular consequence: missense variant.
Genome position (GRCh38, 1-based): chrX:154,380,965, A>G. VCF-style: chrX-154380965-A-G. GRCh37 (hg19) VCF-style: chrX-153609325-A-G.
Other names: short protein forms D178G.
Identifiers: ClinVar variation 1422336 (VCV001422336.7), dbSNP rs2067884448, ClinGen allele CA415258727.